The following is an entry in ClinVar:

ClinVar aggregate classification (germline): Pathogenic/Likely pathogenic. Review status: criteria provided, multiple submitters, no conflicts (2 of 4 stars). 2 submissions from 2 submitters: Pathogenic (1); Likely pathogenic (1). Last evaluated 2024-06-07.

Conditions:
Mucopolysaccharidosis, MPS-II (MPS2). Also called: Hunter Syndrome; Mucopolysaccharidosis with skin involvement; Mucopolysaccharidosis type 2; IDURONATE 2-SULFATASE DEFICIENCY; Mucopolysaccharidosis Type II; IDS deficiency. Identifiers: Orphanet 580, Orphanet 79388, MedGen C0026705, MONDO:0010674, OMIM 309900.

Submissions (2):

Laboratory of Diagnosis and Therapy of Lysosomal Disorders, University of Padova
Classification: Likely pathogenic for Mucopolysaccharidosis, MPS-II. Last evaluated: 2024-06-07. Review status: criteria provided, single submitter. Criteria: ACMG Guidelines, 2015. Collection method: literature only. Allele origin: germline. Affected: yes. Observed: 6 variant alleles.
Comment: In vitro or in vivo functional studies supportive of a damaging effect (PS3_Moderate), Prevalence of the variant significantly increased in affected individuals compared with controls (PS4_Supporting), Absent from controls (or at low frequency) in gnomAD database (PM2_Moderate), Missense change at the same amino acid residue as a pathogenic variant (PM5_Moderate), Missense variant in a gene with a low rate of benign missense variation (PP2_Supporting), Multiple lines of computational evidence support a deleterious effect (PP3_Supporting), Patient’s phenotype or family history highly specific for the disease (PP4_Moderate)

Classification method: ACMG Guidelines [PMID:25741868] with modifications

IIFP, CONICET-UNLP
Classification: Pathogenic for Mucopolysaccharidosis, MPS-II. Last evaluated: 2010-08-07. Review status: criteria provided, single submitter. Criteria: ACMG Guidelines, 2007. Collection method: research. Allele origin: maternal. Inheritance: X-linked inheritance. Affected: yes. Observed: 2 variant alleles.

Literature cited by the submitters: PubMed 27896113 (cited by Laboratory of Diagnosis and Therapy of Lysosomal Disorders, University of Padova); PubMed 16735228 (cited by Laboratory of Diagnosis and Therapy of Lysosomal Disorders, University of Padova); PubMed 18331837 (cited by Laboratory of Diagnosis and Therapy of Lysosomal Disorders, University of Padova); PubMed 34670126 (cited by Laboratory of Diagnosis and Therapy of Lysosomal Disorders, University of Padova); DOI 10.1016/j.ymgmr.2014.08.006 (cited by IIFP, CONICET-UNLP).

NM_000202.8(IDS):c.1016T>C (p.Leu339Pro)

Genes: IDS (iduronate 2-sulfatase; minus strand), LOC106050102 (IDS recombination region; plus strand). Cytogenetic location: Xq28.
Variant type: single nucleotide variant.
Coding change: c.1016T>C on transcript NM_000202.8 (MANE Select); coding-DNA position 1016, T replaced by C.
Protein change: p.Leu339Pro; replaces leucine 339 with proline.
Molecular consequence: missense variant.
Genome position (GRCh38, 1-based): chrX:149,487,089, A>G on the plus strand (T>C on the coding strand, the complement: IDS is on the minus strand). VCF-style: chrX-149487089-A-G. GRCh37 (hg19) VCF-style: chrX-148568620-A-G.
Other names: c.746T>C, p.Leu249Pro (NM_001166550.4); short protein forms L339P, L249P.
Identifiers: ClinVar variation 221200 (VCV000221200.4), dbSNP rs864622771, ClinGen allele CA350175.